The following is an entry in ClinVar:

NM_004364.5(CEBPA):c.814G>A (p.Gly272Ser)

Gene: CEBPA (CCAAT enhancer binding protein alpha; minus strand). Cytogenetic location: 19q13.11.
Variant type: single nucleotide variant.
Coding change: c.814G>A on transcript NM_004364.5 (MANE Select); coding-DNA position 814, G replaced by A.
Protein change: p.Gly272Ser; replaces glycine 272 with serine.
Molecular consequence: missense variant.
Genome position (GRCh38, 1-based): chr19:33,301,601, C>T on the plus strand (G>A on the coding strand, the complement: CEBPA is on the minus strand). VCF-style: chr19-33301601-C-T. GRCh37 (hg19) VCF-style: chr19-33792507-C-T.
Other names: c.457G>A, p.Gly153Ser (NM_001285829.2); c.919G>A, p.Gly307Ser (NM_001287424.2); c.772G>A, p.Gly258Ser (NM_001287435.2); short protein forms G258S, G272S, G153S, G307S.
Identifiers: ClinVar variation 3489903 (VCV003489903.1).

ClinVar aggregate classification (germline): Uncertain significance (1 of 4 stars; one submission).

Conditions:
Inborn genetic diseases. Identifiers: MedGen C0950123, MeSH D030342.

Submission:

Ambry Genetics
Classification: Uncertain significance for Inborn genetic diseases. Last evaluated: 2024-11-22. Review status: criteria provided, single submitter. Criteria: Ambry Variant Classification Scheme 2023. Collection method: clinical testing. Allele origin: germline.
Comment: The p.G272S variant (also known as c.814G>A), located in coding exon 1 of the CEBPA gene, results from a G to A substitution at nucleotide position 814. The glycine at codon 272 is replaced by serine, an amino acid with similar properties. This amino acid position is conserved. In addition, this alteration is predicted to be tolerated by in silico analysis. Based on the available evidence, the clinical significance of this variant remains unclear.